The following is an entry in ClinVar:

ClinVar aggregate classification (germline): Likely pathogenic (1 of 4 stars; one submission).

Conditions:
Diamond-Blackfan anemia. Also called: Blackfan Diamond syndrome; Aregenerative anemia chronic congenital; Red cell aplasia, pure hereditary; Congenital hypoplastic anemia; Aase syndrome. Identifiers: Orphanet 124, MedGen C1260899, MeSH D029503, MONDO:0015253, HP:0004810.

Submission:

Victorian Clinical Genetics Services, Murdoch Childrens Research Institute
Classification: Likely pathogenic for Diamond-Blackfan anemia. Last evaluated: 2024-12-17. Review status: criteria provided, single submitter. Criteria: ACMG Guidelines, 2015. Collection method: clinical testing. Allele origin: germline. Affected: yes.
Comment: This variant is classified as Likely pathogenic. Evidence in support of pathogenic classification: Non-coding variant with predicted effect. The variant affects the polyadenylation signal (PAS; PMID: 30503522). RNA-seq using a sample from this patient showed transcription read-through past the PAS which is predicted to result in an unstable mRNA (personal communication); Variant is absent from gnomAD (v2, v3 and v4); Additional information: This variant is non-coding in an alternative transcript. The variant is deep intronic in transcript NM_001098577 and RNA-seq data from this patient's sample showed increased expression of the transcript's final exon (personal communication). However, the clinical significance of this outcome is unclear (GTEx); This variant is heterozygous; This gene is associated with autosomal dominant disease; This variant has no previous evidence of pathogenicity; No published segregation evidence has been identified for this variant; No published functional evidence has been identified for this variant; No comparable variants affecting the polyadenylation signal have previous evidence for pathogenicity; The mechanism of disease for this gene is not clearly established. Only three other variants have been reported; a multi-gene deletion, a de novo deep intronic variant (PMID: 25042156), and a de novo missense variant (PMID: 25424902). Functional studies are limited; however, this gene is constrained for loss-of-function variants (gnomAD).

Literature cited by the submitters: PubMed 25042156; PubMed 25424902; PubMed 30503522.

NM_000993.5(RPL31):c.*23_*24del

Gene: RPL31 (ribosomal protein L31; plus strand). Cytogenetic location: 2q11.2.
Variant type: Deletion.
Coding change: c.*23_*24del on transcript NM_000993.5 (MANE Select); 23 bases downstream of the stop codon through 24 bases downstream of the stop codon, 2 bases deleted (AA; older notation c.*23_*24delAA).
Molecular consequence: 3 prime UTR variant. On other transcripts: intron variant (1).
Genome position (GRCh38, 1-based): chr2:101,006,404-101,006,405, AA deleted; deleting any 2 consecutive bases within chr2:101,006,403-101,006,405 gives the same sequence; the c. name uses the placement nearest the transcript's 3' end. VCF-style (leftmost placement, unchanged base first): chr2-101006402-TAA-T. GRCh37 (hg19) VCF-style: chr2-101622864-TAA-T.
Other names: c.*313_*314del (NM_001099693.2); c.346+333_346+334del (NM_001098577.3).
Identifiers: ClinVar variation 4531762 (VCV004531762.1).